The following is an entry in ClinVar:

NM_003283.6(TNNT1):c.135C>G (p.Pro45=)

Gene: TNNT1 (troponin T1, slow skeletal type; minus strand). Cytogenetic location: 19q13.42.
Variant type: single nucleotide variant.
Coding change: c.135C>G on transcript NM_003283.6 (MANE Select); coding-DNA position 135, C replaced by G.
Protein change: p.Pro45=; no amino-acid change (proline 45 retained).
Molecular consequence: synonymous variant.
Genome position (GRCh38, 1-based): chr19:55,141,914, G>C on the plus strand (C>G on the coding strand, the complement: TNNT1 is on the minus strand). VCF-style: chr19-55141914-G-C. GRCh37 (hg19) VCF-style: chr19-55653282-G-C.
Other names: c.135C>G, p.Pro45= (NM_001126132.3); c.102C>G, p.Pro34= (NM_001126133.3, NM_001291774.2); c.135C>G (NM_003283.5).
Identifiers: ClinVar variation 2041071 (VCV002041071.5), dbSNP rs747556919, ClinGen allele CA508989253.

ClinVar aggregate classification (germline): Likely benign. Review status: criteria provided, single submitter (1 of 4 stars). 2 submissions from 2 submitters: Likely benign (1). 1 of the submissions does not count toward it. Last evaluated 2025-04-11.

Conditions:
TNNT1-related disorder. Also called: TNNT1-related condition.
Nemaline myopathy 5 (NEM5A). Also called: NEMALINE MYOPATHY, AMISH TYPE; NEMALINE MYOPATHY 5A, AUTOSOMAL RECESSIVE, SEVERE INFANTILE; Nemaline myopathy 5, Amish type. Identifiers: Orphanet 98902, MedGen C1854380, MONDO:0011539, OMIM 605355.

Allele frequency attached by ClinVar (database versions not stated): gnomAD exomes 0.00001.
gnomAD v4.1: 12 of 1,613,964 alleles (0.00074%); highest among the groups gnomAD compares: South Asian, 0.0055%; 1 homozygote.

Submissions (2):

Labcorp Genetics (formerly Invitae), Labcorp
Classification: Likely benign for Nemaline myopathy 5. Last evaluated: 2025-04-11. Review status: criteria provided, single submitter. Criteria: Invitae Variant Classification Sherloc (09022015). Collection method: clinical testing. Allele origin: germline.

PreventionGenetics, part of Exact Sciences
Classification: Likely benign for TNNT1-related condition. Last evaluated: 2024-08-07. Review status: no assertion criteria provided. Collection method: clinical testing. Allele origin: germline. Not counted in ClinVar's aggregate classification.
Comment: This variant is classified as likely benign based on ACMG/AMP sequence variant interpretation guidelines (Richards et al. 2015 PMID: 25741868, with internal and published modifications).